The following is an entry in ClinVar:

ClinVar aggregate classification (germline): Conflicting classifications of pathogenicity. Review status: criteria provided, conflicting classifications (1 of 4 stars). 3 submissions from 3 submitters: Uncertain significance (2); Likely benign (1). Last evaluated 2025-11-24.

Conditions:
Rauch-Steindl syndrome (RAUST). Identifiers: Orphanet 659642, MedGen C5562061, MONDO:0859219, OMIM 619695.
Inborn genetic diseases. Identifiers: MedGen C0950123, MeSH D030342.

gnomAD v4.1: 4 of 1,612,878 alleles (0.00025%); highest among the groups gnomAD compares: Non-Finnish European, 0.00025%; no homozygotes.

Submissions (3):

Labcorp Genetics (formerly Invitae), Labcorp
Classification: Uncertain significance. Last evaluated: 2025-11-24. Review status: criteria provided, single submitter. Criteria: Invitae Variant Classification Sherloc (09022015). Collection method: clinical testing. Allele origin: germline.
Comment: This sequence change replaces aspartic acid, which is acidic and polar, with glutamic acid, which is acidic and polar, at codon 77 of the WHSC1 protein (p.Asp77Glu). This variant is not present in population databases (gnomAD no frequency). This variant has not been reported in the literature in individuals affected with WHSC1-related conditions. ClinVar contains an entry for this variant (Variation ID: 3881165). An algorithm developed to predict the effect of missense changes on protein structure and function outputs the following: PolyPhen-2: "Benign". The glutamic acid amino acid residue is found in multiple mammalian species, which suggests that this missense change does not adversely affect protein function. In summary, the available evidence is currently insufficient to determine the role of this variant in disease. Therefore, it has been classified as a Variant of Uncertain Significance.

Ambry Genetics
Classification: Likely benign for Inborn genetic diseases. Last evaluated: 2025-03-03. Review status: criteria provided, single submitter. Criteria: Ambry Variant Classification Scheme 2023. Collection method: clinical testing. Allele origin: germline.

Laboratorio de Genetica e Diagnostico Molecular, Hospital Israelita Albert Einstein
Classification: Uncertain significance for Rauch-Steindl syndrome. Last evaluated: 2023-02-17. Review status: criteria provided, single submitter. Criteria: ACMG Guidelines, 2015. Collection method: clinical testing. Allele origin: germline. Affected: yes.
Comment: ACMG classification criteria: PM2 moderate, PP2 supporting, BP4 supporting

NM_001042424.3(NSD2):c.231C>G (p.Asp77Glu)

Gene: NSD2 (nuclear receptor binding SET domain protein 2; plus strand). Cytogenetic location: 4p16.3.
Variant type: single nucleotide variant.
Coding change: c.231C>G on transcript NM_001042424.3 (MANE Select); coding-DNA position 231, C replaced by G.
Protein change: p.Asp77Glu; replaces aspartic acid 77 with glutamic acid.
Molecular consequence: missense variant.
Genome position (GRCh38, 1-based): chr4:1,900,885, C>G. VCF-style: chr4-1900885-C-G. GRCh37 (hg19) VCF-style: chr4-1902612-C-G.
Other names: c.231C>G, p.Asp77Glu (NM_007331.2, NM_133330.3, NM_133331.3 and 2 more transcripts); short protein forms D77E.
Identifiers: ClinVar variation 3881165 (VCV003881165.3).